The following is an entry in ClinVar:

NM_000094.4(COL7A1):c.1080G>A (p.Trp360Ter)

Gene: COL7A1 (collagen type VII alpha 1 chain; minus strand). Cytogenetic location: 3p21.31.
Variant type: single nucleotide variant.
Coding change: c.1080G>A on transcript NM_000094.4 (MANE Select); coding-DNA position 1080, G replaced by A.
Protein change: p.Trp360Ter; replaces tryptophan 360 with a stop codon.
Molecular consequence: nonsense.
Genome position (GRCh38, 1-based): chr3:48,592,364, C>T on the plus strand (G>A on the coding strand, the complement: COL7A1 is on the minus strand). VCF-style: chr3-48592364-C-T. GRCh37 (hg19) VCF-style: chr3-48629797-C-T.
Other names: c.1080G>A (NM_000094.3); short protein forms W360*.
Identifiers: ClinVar variation 1449198 (VCV001449198.8), dbSNP rs375604839, ClinGen allele CA2381349.

ClinVar aggregate classification (germline): Pathogenic/Likely pathogenic. Review status: criteria provided, multiple submitters, no conflicts (2 of 4 stars). 3 submissions from 3 submitters: Pathogenic (2); Likely pathogenic (1). Last evaluated 2024-12-20.

Conditions:
COL7A1-related disorder. Also called: COL7A1- related disorders; COL7A1-related condition.
Epidermolysis bullosa dystrophica. Also called: Dystrophic epidermolysis bullosa, Hallopeau-Siemens type (formerly); Dystrophic epidermolysis bullosa. Identifiers: Orphanet 303, MedGen C0079294, MONDO:0006543.

Allele frequency attached by ClinVar (database versions not stated): gnomAD exomes below 0.00001; ExAC 0.00001; gnomAD 0.00001; TOPMed 0.00001; ESP Exome Variant Server 0.00008.
gnomAD v4.1: 5 of 1,613,506 alleles (0.00031%); highest among the groups gnomAD compares: Non-Finnish European, 0.00042%; no homozygotes.

Submissions (3):

Natera, Inc.
Classification: Pathogenic for Dystrophic epidermolysis bullosa. Last evaluated: 2024-12-20. Review status: criteria provided, single submitter. Criteria: Natera Variant Classification Schema (03/2026). Collection method: clinical testing. Allele origin: germline.
Comment: The c.1080G>A variant in COL7A1 is a nonsense variant predicted to introduce a stop codon at amino acid 360. This variant is expected to result in nonsense mediated decay, truncation, or a dysfunctional protein product. This variant is rare in the general population with a frequency below the threshold expected for the associated phenotype(s). This variant has been observed in one or more individuals affected with the associated recessive disease, as either homozygous or compound heterozygous with a second variant (PMID: 38368142). Given the available evidence, this variant is classified as Pathogenic.

Labcorp Genetics (formerly Invitae), Labcorp
Classification: Pathogenic. Last evaluated: 2024-10-30. Review status: criteria provided, single submitter. Criteria: Invitae Variant Classification Sherloc (09022015). Collection method: clinical testing. Allele origin: germline.
Comment: This sequence change creates a premature translational stop signal (p.Trp360*) in the COL7A1 gene. It is expected to result in an absent or disrupted protein product. Loss-of-function variants in COL7A1 are known to be pathogenic (PMID: 16971478). This variant is present in population databases (rs375604839, gnomAD 0.002%). This variant has not been reported in the literature in individuals affected with COL7A1-related conditions. ClinVar contains an entry for this variant (Variation ID: 1449198). For these reasons, this variant has been classified as Pathogenic.

Blueprint Genetics
Classification: Likely pathogenic for COL7A1-related disorders. Last evaluated: 2018-03-19. Review status: criteria provided, single submitter. Criteria: ACMG Guidelines, 2015. Collection method: clinical testing. Allele origin: germline. Affected: yes. Observed: 1 variant allele.

Literature cited by the submitters: PubMed 38368142 (cited by Natera, Inc.); PubMed 16971478 (cited by Labcorp Genetics (formerly Invitae), Labcorp).